The following is an entry in ClinVar:

NM_000297.4(PKD2):c.2407C>G (p.Arg803Gly)

Gene: PKD2 (polycystin 2, transient receptor potential cation channel; plus strand). Cytogenetic location: 4q22.1.
Variant type: single nucleotide variant.
Coding change: c.2407C>G on transcript NM_000297.4 (MANE Select); coding-DNA position 2407, C replaced by G.
Protein change: p.Arg803Gly; replaces arginine 803 with glycine.
Molecular consequence: missense variant. On other transcripts: non-coding transcript variant (1).
Genome position (GRCh38, 1-based): chr4:88,067,946, C>G. VCF-style: chr4-88067946-C-G. GRCh37 (hg19) VCF-style: chr4-88989098-C-G.
Other names: c.2407C>G (NM_000297.3); short protein forms R803G.
Identifiers: ClinVar variation 2912949 (VCV002912949.4), dbSNP rs778235410, ClinGen allele CA3004243.

ClinVar aggregate classification (germline): Uncertain significance. Review status: criteria provided, multiple submitters, no conflicts (2 of 4 stars). 2 submissions from 2 submitters: Uncertain significance (2). Last evaluated 2023-07-07.

Conditions:
Autosomal dominant polycystic kidney disease. Identifiers: Orphanet 730, MedGen C0085413, MONDO:0004691.
Polycystic kidney disease 2 (PKD2). Also called: Polycystic Kidney Disease 2, Autosomal Dominant; POLYCYSTIC KIDNEY DISEASE, ADULT, TYPE II; POLYCYSTIC KIDNEY DISEASE 2 WITH OR WITHOUT POLYCYSTIC LIVER DISEASE. Identifiers: MedGen C2751306, MONDO:0013131, OMIM 613095.

gnomAD v4.1: 35 of 1,613,846 alleles (0.0022%); highest among the groups gnomAD compares: Non-Finnish European, 0.0015%; no homozygotes.

Submissions (2):

Labcorp Genetics (formerly Invitae), Labcorp
Classification: Uncertain significance for Autosomal dominant polycystic kidney disease. Last evaluated: 2023-07-07. Review status: criteria provided, single submitter. Criteria: Invitae Variant Classification Sherloc (09022015). Collection method: clinical testing. Allele origin: germline.
Comment: This variant has not been reported in the literature in individuals affected with PKD2-related conditions. In summary, the available evidence is currently insufficient to determine the role of this variant in disease. Therefore, it has been classified as a Variant of Uncertain Significance. Advanced modeling of protein sequence and biophysical properties (such as structural, functional, and spatial information, amino acid conservation, physicochemical variation, residue mobility, and thermodynamic stability) performed at Invitae indicates that this missense variant is not expected to disrupt PKD2 protein function. This variant is present in population databases (rs778235410, gnomAD 0.02%). This sequence change replaces arginine, which is basic and polar, with glycine, which is neutral and non-polar, at codon 803 of the PKD2 protein (p.Arg803Gly).

Department of Pathology and Laboratory Medicine, Sinai Health System
Classification: Uncertain significance for Polycystic kidney disease 2. Last evaluated: 2021-04-15. Review status: criteria provided, single submitter. Criteria: ACMG Guidelines, 2015. Collection method: clinical testing. Allele origin: germline. Affected: yes.